The following is an entry in ClinVar:

ClinVar aggregate classification (germline): Uncertain significance (1 of 4 stars; one submission).

Allele frequency attached by ClinVar (database versions not stated): ExAC 0.00001; gnomAD exomes 0.00001.

Submission:

Labcorp Genetics (formerly Invitae), Labcorp
Classification: Uncertain significance. Last evaluated: 2023-04-04. Review status: criteria provided, single submitter. Criteria: Invitae Variant Classification Sherloc (09022015). Collection method: clinical testing. Allele origin: germline.
Comment: This sequence change replaces lysine, which is basic and polar, with arginine, which is basic and polar, at codon 249 of the MYH7B protein (p.Lys249Arg). This variant is present in population databases (rs779651543, gnomAD 0.0009%). This variant has not been reported in the literature in individuals affected with MYH7B-related conditions. Advanced modeling of protein sequence and biophysical properties (such as structural, functional, and spatial information, amino acid conservation, physicochemical variation, residue mobility, and thermodynamic stability) performed at Invitae indicates that this missense variant is not expected to disrupt MYH7B protein function. Algorithms developed to predict the effect of sequence changes on RNA splicing suggest that this variant may disrupt the consensus splice site. In summary, the available evidence is currently insufficient to determine the role of this variant in disease. Therefore, it has been classified as a Variant of Uncertain Significance.

NM_020884.7(MYH7B):c.620A>G (p.Lys207Arg)

Gene: MYH7B (myosin heavy chain 7B; plus strand). Cytogenetic location: 20q11.22.
Variant type: single nucleotide variant.
Coding change: c.620A>G on transcript NM_020884.7 (MANE Select); coding-DNA position 620, A replaced by G.
Protein change: p.Lys207Arg; replaces lysine 207 with arginine.
Molecular consequence: missense variant.
Genome position (GRCh38, 1-based): chr20:34,982,551, A>G. VCF-style: chr20-34982551-A-G. GRCh37 (hg19) VCF-style: chr20-33570354-A-G.
Other names: short protein forms K207R.
Identifiers: ClinVar variation 2995819 (VCV002995819.3), dbSNP rs779651543, ClinGen allele CA9826532.
Genomic context (GRCh38, chr20:34,982,551, plus strand): 5'-CCAAGCGGGTCATTCAGTACTTTGCCATCGTCGCTGCCCTGGGAGACGGGCCGGGCAAGA[A>G]GGCCGTAAGACTTGCCCACTCGGGCATGCTCCCCGTTGCTTCTCGCTGTTTTTCTTTTCT-3'
Protein context (NP_065935.4, residues 197-217): VAALGDGPGK[Lys207Arg]AQFLATKTGG